The following is an entry in ClinVar:

NM_006363.6(SEC23B):c.938G>A (p.Arg313His)

Gene: SEC23B (SEC23 homolog B, COPII component; plus strand). Cytogenetic location: 20p11.23.
Variant type: single nucleotide variant.
Coding change: c.938G>A on transcript NM_006363.6 (MANE Select); coding-DNA position 938, G replaced by A.
Protein change: p.Arg313His; replaces arginine 313 with histidine.
Molecular consequence: missense variant.
Genome position (GRCh38, 1-based): chr20:18,526,476, G>A. VCF-style: chr20-18526476-G-A. GRCh37 (hg19) VCF-style: chr20-18507120-G-A.
Other names: p.Arg313His; c.938G>A, p.Arg313His (NM_001172745.3, NM_032985.6, NM_032986.5); c.884G>A, p.Arg295His (NM_001172746.3); short protein forms R295H, R313H.
Identifiers: ClinVar variation 2925647 (VCV002925647.7), dbSNP rs750888081, ClinGen allele CA408360236.

ClinVar aggregate classification (germline): Pathogenic/Likely pathogenic. Review status: criteria provided, multiple submitters, no conflicts (2 of 4 stars). 5 submissions from 5 submitters: Pathogenic (2); Likely pathogenic (3). Last evaluated 2025-10-01.

Conditions:
Congenital dyserythropoietic anemia, type II (CDAN2). Also called: DYSERYTHROPOIETIC ANEMIA, HEMPAS TYPE. Identifiers: Orphanet 98873, MedGen C1306589, MONDO:0009134, OMIM 224100.
Cowden syndrome 7 (CWS7). Identifiers: Orphanet 201, MedGen C4225179, MONDO:0014802, OMIM 616858.

gnomAD v4.1: 4 of 1,614,136 alleles (0.00025%); highest among the groups gnomAD compares: Admixed American, 0.0017%; no homozygotes.

Submissions (5):

Mayo Clinic Laboratories, Mayo Clinic
Classification: Likely pathogenic. Last evaluated: 2025-10-01. Review status: criteria provided, single submitter. Criteria: ACMG Guidelines, 2015. Collection method: clinical testing. Allele origin: germline. Observed: 1 variant allele.
Comment: PP3, PM1, PM2_moderate, PM3

Women's Health and Genetics/Laboratory Corporation of America, LabCorp
Classification: Pathogenic for Congenital dyserythropoietic anemia, type II. Last evaluated: 2025-06-06. Review status: criteria provided, single submitter. Criteria: LabCorp Variant Classification Summary - May 2015. Collection method: clinical testing. Allele origin: germline.
Comment: Variant summary: SEC23B c.938G>A (p.Arg313His) results in a non-conservative amino acid change in the encoded protein sequence. Algorithms developed to predict the effect of missense changes on protein structure and function all suggest that this variant is likely to be disruptive. The variant allele was found at a frequency of 4e-06 in 251476 control chromosomes (gnomAD). c.938G>A has been observed in several homozygous individuals affected with Congenital dyserythropoietic anemia, type II (Schwarz_2009, Ru_2014). These data indicate that the variant is very likely to be associated with disease. The following publications have been ascertained in the context of this evaluation (PMID: 19561605, 24196372). ClinVar contains an entry for this variant (Variation ID: 2925647). Based on the evidence outlined above, the variant was classified as pathogenic.

Revvity Omics, Revvity
Classification: Likely pathogenic. Last evaluated: 2024-09-30. Review status: criteria provided, single submitter. Criteria: ACMG Guidelines, 2015. Collection method: clinical testing. Allele origin: germline.

ARUP Laboratories, Molecular Genetics and Genomics, ARUP Laboratories
Classification: Likely pathogenic. Last evaluated: 2024-09-11. Review status: criteria provided, single submitter. Criteria: ARUP Molecular Germline Variant Investigation Process 2024. Collection method: clinical testing. Allele origin: germline.
Comment: The SEC23B c.938G>A; p.Arg313His variant (rs750888081) is reported homozygous and compound heterozygous in the literature in multiple individuals affected with dyserythropoietic anemia (Bianchi 2016, Demircioglu 2015, Ru 2014, Russo 2011, Schwarz 2009). This variant is only observed on one allele in the Genome Aggregation Database (v2.1.1), indicating it is not a common polymorphism. Computational analyses predict that this variant is deleterious (REVEL: 0.867). Based on available information, this variant is considered to be likely pathogenic. References: Bianchi P et al. Analysis of a cohort of 101 CDAII patients: description of 24 new molecular variants and genotype-phenotype correlations. Br J Haematol. 2016 Nov. PMID: 27471141 Demircioglu F et al. Diagnosis: Congenital Dyserythropoietic Anemia Type 2 Due to Compound Heterozygote Mutation in SEC23B Gene. Turk J Haematol. 2015 Sep. PMID: 25912935 Ru Y et al. Congenital dyserythropoietic anemia in China: a case report from two families and a review. Ann Hematol. 2014 May. PMID: 24196372 Russo R et al. Two founder mutations in the SEC23B gene account for the relatively high frequency of CDA II in the Italian population. Am J Hematol. 2011 Sep. PMID: 21850656 Schwarz K et al. Mutations affecting the secretory COPII coat component SEC23B cause congenital dyserythropoietic anemia type II. Nature genetics. 2009 Aug. PMID: 19561605

Labcorp Genetics (formerly Invitae), Labcorp
Classification: Pathogenic for Congenital dyserythropoietic anemia, type II; Cowden syndrome 7. Last evaluated: 2024-02-14. Review status: criteria provided, single submitter. Criteria: Invitae Variant Classification Sherloc (09022015). Collection method: clinical testing. Allele origin: germline.
Comment: This sequence change replaces arginine, which is basic and polar, with histidine, which is basic and polar, at codon 313 of the SEC23B protein (p.Arg313His). This variant is present in population databases (no rsID available, gnomAD 0.003%). This missense change has been observed in individuals with congenital dyserythropoietic anemia type II (PMID: 19561605, 24196372, 25912935). It has also been observed to segregate with disease in related individuals. Advanced modeling of protein sequence and biophysical properties (such as structural, functional, and spatial information, amino acid conservation, physicochemical variation, residue mobility, and thermodynamic stability) performed at Invitae indicates that this missense variant is expected to disrupt SEC23B protein function with a positive predictive value of 95%. For these reasons, this variant has been classified as Pathogenic.

Literature cited by the submitters: PubMed 27471141 (cited by Mayo Clinic Laboratories, Mayo Clinic); PubMed 19561605 (cited by Women's Health and Genetics/Laboratory Corporation of America, LabCorp and Labcorp Genetics (formerly Invitae), Labcorp); PubMed 24196372 (cited by Women's Health and Genetics/Laboratory Corporation of America, LabCorp and Labcorp Genetics (formerly Invitae), Labcorp); PubMed 25912935 (cited by Labcorp Genetics (formerly Invitae), Labcorp).